The following is an entry in ClinVar:

NM_000321.3(RB1):c.1291G>A (p.Ala431Thr)

Gene: RB1 (RB transcriptional corepressor 1; plus strand). Cytogenetic location: 13q14.2.
Variant type: single nucleotide variant.
Coding change: c.1291G>A on transcript NM_000321.3 (MANE Select); coding-DNA position 1291, G replaced by A.
Protein change: p.Ala431Thr; replaces alanine 431 with threonine.
Molecular consequence: missense variant.
Genome position (GRCh38, 1-based): chr13:48,376,993, G>A. VCF-style: chr13-48376993-G-A. GRCh37 (hg19) VCF-style: chr13-48951129-G-A.
Other names: short protein forms A431T.
Identifiers: ClinVar variation 647766 (VCV000647766.10), dbSNP rs965729205, ClinGen allele CA249280056.

ClinVar aggregate classification (germline): Uncertain significance. Review status: criteria provided, multiple submitters, no conflicts (2 of 4 stars). 4 submissions from 4 submitters: Uncertain significance (4). Last evaluated 2025-07-03.

Conditions:
Retinoblastoma (RB1). Also called: RETINOBLASTOMA, SOMATIC. Identifiers: Orphanet 790, MedGen C0035335, MeSH D012175, MONDO:0008380, OMIM 180200, HP:0009919. Disease mechanism: loss of function. Inheritance: Both sporadic and heritable forms are tested..
Hereditary cancer-predisposing syndrome. Also called: Hereditary Cancer Syndrome; Tumor predisposition; Hereditary neoplastic syndrome; Neoplastic Syndromes, Hereditary. Identifiers: Orphanet 140162, MedGen C0027672, MeSH D009386, MONDO:0015356.

Submissions (4):

Color Diagnostics, LLC DBA Color Health
Classification: Uncertain significance for Retinoblastoma. Last evaluated: 2025-07-03. Review status: criteria provided, single submitter. Criteria: ACMG Guidelines, 2015. Collection method: clinical testing. Allele origin: germline.
Comment: This missense variant replaces alanine with threonine at codon 431 of the RB1 protein. Computational prediction is inconclusive regarding the impact of this variant on protein structure and function. To our knowledge, functional studies have not been reported for this variant. This variant has not been reported in individuals affected with RB1-related disorders in the literature. This variant has not been identified in the general population by the Genome Aggregation Database (gnomAD). The available evidence is insufficient to determine the role of this variant in disease conclusively. Therefore, this variant is classified as a Variant of Uncertain Significance.

All of Us Research Program, National Institutes of Health
Classification: Uncertain significance for Retinoblastoma. Last evaluated: 2023-11-30. Review status: criteria provided, single submitter. Criteria: ACMG Guidelines, 2015. Collection method: clinical testing. Allele origin: germline. Inheritance: Autosomal dominant inheritance. Observed: 1 variant allele, 1 heterozygote.
Comment: This missense variant replaces alanine with threonine at codon 431 of the RB1 protein. Computational prediction is inconclusive regarding the impact of this variant on protein structure and function (internally defined REVEL score threshold 0.5 < inconclusive < 0.7, PMID: 27666373). To our knowledge, functional studies have not been reported for this variant. This variant has not been reported in individuals affected with hereditary cancer in the literature. This variant has not been identified in the general population by the Genome Aggregation Database (gnomAD). The available evidence is insufficient to determine the role of this variant in disease conclusively. Therefore, this variant is classified as a Variant of Uncertain Significance.

This study involves interpretation of variants in research participants for the purpose of population health screening. Participant phenotype was not available at the time of variant classification. Additional details can be found in publication PMID: 35346344, PMCID: PMC8962531

Ambry Genetics
Classification: Uncertain significance for Hereditary cancer-predisposing syndrome. Last evaluated: 2023-11-17. Review status: criteria provided, single submitter. Criteria: Ambry Variant Classification Scheme 2023. Collection method: clinical testing. Allele origin: germline.
Comment: The p.A431T variant (also known as c.1291G>A), located in coding exon 13 of the RB1 gene, results from a G to A substitution at nucleotide position 1291. The alanine at codon 431 is replaced by threonine, an amino acid with similar properties. This amino acid position is well conserved in available vertebrate species. In addition, the in silico prediction for this alteration is inconclusive. Since supporting evidence is limited at this time, the clinical significance of this alteration remains unclear.

Labcorp Genetics (formerly Invitae), Labcorp
Classification: Uncertain significance for Retinoblastoma. Last evaluated: 2021-03-02. Review status: criteria provided, single submitter. Criteria: Invitae Variant Classification Sherloc (09022015). Collection method: clinical testing. Allele origin: germline.
Comment: This sequence change replaces alanine with threonine at codon 431 of the RB1 protein (p.Ala431Thr). The alanine residue is highly conserved and there is a small physicochemical difference between alanine and threonine. This variant is not present in population databases (ExAC no frequency). This variant has been observed to be de novo in an individual affected with bilateral retinoblastoma (PMID: 28193182). This variant is also known as g.73828G>A in the literature. Algorithms developed to predict the effect of missense changes on protein structure and function are either unavailable or do not agree on the potential impact of this missense change (SIFT: "Deleterious"; PolyPhen-2: "Probably Damaging"; Align-GVGD: "Class C0"). In summary, the available evidence is currently insufficient to determine the role of this variant in disease. Therefore, it has been classified as a Variant of Uncertain Significance.

Literature cited by the submitters: PubMed 28193182 (cited by Labcorp Genetics (formerly Invitae), Labcorp).